The following is an entry in ClinVar:

NM_006231.4(POLE):c.5966C>G (p.Ala1989Gly)

Gene: POLE (DNA polymerase epsilon, catalytic subunit; minus strand). Cytogenetic location: 12q24.33.
Variant type: single nucleotide variant.
Coding change: c.5966C>G on transcript NM_006231.4 (MANE Select); coding-DNA position 5966, C replaced by G.
Protein change: p.Ala1989Gly; replaces alanine 1989 with glycine.
Molecular consequence: missense variant.
Genome position (GRCh38, 1-based): chr12:132,634,224, G>C on the plus strand (C>G on the coding strand, the complement: POLE is on the minus strand). VCF-style: chr12-132634224-G-C. GRCh37 (hg19) VCF-style: chr12-133210810-G-C.
Other names: short protein forms A1989G.
Identifiers: ClinVar variation 246422 (VCV000246422.13), dbSNP rs745501021, ClinGen allele CA6892331.

ClinVar aggregate classification (germline): Conflicting classifications of pathogenicity. Review status: criteria provided, conflicting classifications (1 of 4 stars). 3 submissions from 3 submitters: Uncertain significance (2); Likely benign (1). Last evaluated 2026-06-18.

Conditions:
Hereditary cancer-predisposing syndrome. Also called: Tumor predisposition; Neoplastic Syndromes, Hereditary; Hereditary Cancer Syndrome; Hereditary neoplastic syndrome. Identifiers: Orphanet 140162, MedGen C0027672, MeSH D009386, MONDO:0015356.

Allele frequency attached by ClinVar (database versions not stated): gnomAD exomes below 0.00001; ExAC 0.00001.
gnomAD v4.1: 2 of 1,613,908 alleles (0.00012%); highest among the groups gnomAD compares: Non-Finnish European, 0.00017%; no homozygotes.

Submissions (3):

Ambry Genetics
Classification: Likely benign for Hereditary cancer-predisposing syndrome. Last evaluated: 2026-06-18. Review status: criteria provided, single submitter. Criteria: Ambry Variant Classification Scheme 2023. Collection method: clinical testing. Allele origin: germline.

Labcorp Genetics (formerly Invitae), Labcorp
Classification: Uncertain significance. Last evaluated: 2024-06-19. Review status: criteria provided, single submitter. Criteria: Invitae Variant Classification Sherloc (09022015). Collection method: clinical testing. Allele origin: germline.
Comment: This sequence change replaces alanine, which is neutral and non-polar, with glycine, which is neutral and non-polar, at codon 1989 of the POLE protein (p.Ala1989Gly). This variant is present in population databases (rs745501021, gnomAD 0.0009%). This variant has not been reported in the literature in individuals affected with POLE-related conditions. ClinVar contains an entry for this variant (Variation ID: 246422). Advanced modeling of protein sequence and biophysical properties (such as structural, functional, and spatial information, amino acid conservation, physicochemical variation, residue mobility, and thermodynamic stability) performed at Invitae indicates that this missense variant is not expected to disrupt POLE protein function with a negative predictive value of 80%. In summary, the available evidence is currently insufficient to determine the role of this variant in disease. Therefore, it has been classified as a Variant of Uncertain Significance.

GeneDx
Classification: Uncertain significance. Last evaluated: 2019-11-22. Review status: criteria provided, single submitter. Criteria: GeneDx Variant Classification Process June 2021. Collection method: clinical testing. Allele origin: germline. Affected: yes.
Comment: Not observed in large population cohorts (Lek 2016); In silico analysis, which includes protein predictors and evolutionary conservation, supports that this variant does not alter protein structure/function; Has not been previously published as pathogenic or benign to our knowledge